The following continues an entry in ClinVar:

NM_000051.4(ATM):c.7630-2A>C

ClinVar aggregate classification (germline): Pathogenic. Pathogenic (29).

Submissions 28 to 32 of 32:

Genetic Services Laboratory, University of Chicago
Classification: Pathogenic. Last evaluated: 2018-05-23. Review status: criteria provided, single submitter. Criteria: ACMG Guidelines, 2015. Collection method: clinical testing. Allele origin: germline. Affected: yes.
Comment: The c.7630-2A>C sequence change is predicted to abolish the splice acceptor site, and affects splicing of exon 52. RNA study has demonstrated that this variant leads to exon skipping (Sandoval et. al., 1999). This variant has been reported in several patients with ataxia-telangiectasia in the homozygous state or compound heterozygous state with another pathogenic variant (Sandoval et. al., 1999; Podralska et. al., 2014). This variant has also been reported in two patients with breast cancer in the heterozygous state (Susswein et. al., 2016). Approximately 10% of patients with ataxia telangiectasia due to biallelic ATM mutations develop cancer, mostly of the lymphoid malignancies including Hodgkin's lymphoma, non-Hodgkin's lymphoma, and several forms of leukemia (Boultwood 2001; Taylor et al., 1996). Heterozygous carriers of pathogenic variants in ATM have been associated with increased risk of breast cancer (Tavtigian et. al., 2009). Our interpretation is based on the current understanding of the genetics of ATM-related diseases.

Baylor Genetics
Classification: Pathogenic for Ataxia-telangiectasia syndrome. Review status: criteria provided, single submitter. Criteria: ACMG Guidelines, 2015. Collection method: clinical testing. Allele origin: germline.

Practice for Gait Abnormalities, David Pomarino, Competency Network Toe Walking C/o Practice Pomarino
Classification: Likely pathogenic for Tip-toe gait. Last evaluated: 2021-10-21. Review status: no assertion criteria provided. Collection method: clinical testing. Allele origin: germline. Affected: yes. Not counted in ClinVar's aggregate classification.
Comment: Gait disorder

CZECANCA consortium
Classification: Likely pathogenic for Breast and/or ovarian cancer. Last evaluated: 2019-06-11. Review status: no assertion criteria provided. Collection method: clinical testing. Allele origin: germline. Affected: yes. Observed: 2 variant alleles. Not counted in ClinVar's aggregate classification.

Counsyl
Classification: Pathogenic for Ataxia-telangiectasia syndrome. Last evaluated: 2015-12-04. Review status: no assertion criteria provided. Collection method: clinical testing. Allele origin: unknown. Not counted in ClinVar's aggregate classification.

Literature cited by the submitters: PubMed 9443866 (cited by 6 submitters); PubMed 9887333 (cited by 9 submitters); PubMed 21833744 (cited by 5 submitters); PubMed 25374739 (cited by 6 submitters); PubMed 26681312 (cited by 5 submitters); PubMed 10330348 (cited by 5 submitters); PubMed 30772474 (cited by 3 submitters); PubMed 10817650 (cited by Ambry Genetics and Color Diagnostics, LLC DBA Color Health); PubMed 10980530 (cited by Ambry Genetics); PubMed 15039971 (cited by Ambry Genetics and Counsyl); PubMed 16266405 (cited by Ambry Genetics and Counsyl); PubMed 25614872 (cited by 3 submitters); PubMed 27433846 (cited by Ambry Genetics and Quest Diagnostics Nichols Institute San Juan Capistrano); PubMed 29360161 (cited by 3 submitters); PubMed 30067863 (cited by 3 submitters); PubMed 29785153 (cited by Quest Diagnostics Nichols Institute San Juan Capistrano); PubMed 28843361 (cited by Quest Diagnostics Nichols Institute San Juan Capistrano); PubMed 25525159 (cited by Quest Diagnostics Nichols Institute San Juan Capistrano); PubMed 26580448 (cited by Quest Diagnostics Nichols Institute San Juan Capistrano); PubMed 31159747 (cited by Quest Diagnostics Nichols Institute San Juan Capistrano and Women's Health and Genetics/Laboratory Corporation of America, LabCorp); PubMed 31285527 (cited by Quest Diagnostics Nichols Institute San Juan Capistrano); PubMed 34199532 (cited by Quest Diagnostics Nichols Institute San Juan Capistrano and Color Diagnostics, LLC DBA Color Health); PubMed 33050356 (cited by Color Diagnostics, LLC DBA Color Health); PubMed 33330270 (cited by Color Diagnostics, LLC DBA Color Health); PubMed 35716007 (cited by Color Diagnostics, LLC DBA Color Health); PubMed 37091313 (cited by Practice for Gait Abnormalities, David Pomarino, Competency Network Toe Walking C/o Practice Pomarino); PubMed 32295079 (cited by CZECANCA consortium); PubMed 12646636 (cited by Counsyl); PubMed 21665257 (cited by Counsyl).